The following is an entry in ClinVar:

ClinVar aggregate classification (germline): Uncertain significance (1 of 4 stars; one submission).

Conditions:
Pheochromocytoma. Also called: MAX-Related Hereditary Paraganglioma-Pheochromocytoma Syndrome. Identifiers: Orphanet 29072, MedGen C0031511, MONDO:0008233, OMIM 171300, HP:0002666.
Pheochromocytoma/paraganglioma syndrome 4. Also called: CAROTID BODY TUMORS AND MULTIPLE EXTRAADRENAL PHEOCHROMOCYTOMAS; PARAGANGLIOMA, FAMILIAL MALIGNANT; PARAGANGLIOMAS, HEREDITARY EXTRAADRENAL; PHEOCHROMOCYTOMA, FAMILIAL EXTRAADRENAL; Paragangliomas 4; SDHB-Related Hereditary Paraganglioma-Pheochromocytoma Syndrome (Paragangliomas 4). Identifiers: Orphanet 29072, MedGen C1861848, MONDO:0007273, OMIM 115310.
Gastrointestinal stromal tumor. Also called: Gastrointestinal stromal tumor, somatic; Gastrointestinal stroma tumor. Identifiers: Orphanet 44890, MedGen C0238198, MeSH D046152, MONDO:0011719, OMIM 606764, HP:0100723.

Submission:

Labcorp Genetics (formerly Invitae), Labcorp
Classification: Uncertain significance for Gastrointestinal stromal tumor; Pheochromocytoma/paraganglioma syndrome 4; Pheochromocytoma. Last evaluated: 2025-04-02. Review status: criteria provided, single submitter. Criteria: Invitae Variant Classification Sherloc (09022015). Collection method: clinical testing. Allele origin: germline.
Comment: This sequence change replaces glycine, which is neutral and non-polar, with valine, which is neutral and non-polar, at codon 208 of the SDHB protein (p.Gly208Val). This variant is not present in population databases (gnomAD no frequency). This missense change has been observed in individual(s) with clinical features of paraganglioma-pheochromocytoma syndromes (internal data). ClinVar contains an entry for this variant (Variation ID: 3756212). Invitae Evidence Modeling of protein sequence and biophysical properties (such as structural, functional, and spatial information, amino acid conservation, physicochemical variation, residue mobility, and thermodynamic stability) indicates that this missense variant is expected to disrupt SDHB protein function with a positive predictive value of 80%. This variant disrupts the p.Gly208 amino acid residue in SDHB. Other variant(s) that disrupt this residue have been determined to be pathogenic (PMID: 16317055; internal data). This suggests that this residue is clinically significant, and that variants that disrupt this residue are likely to be disease-causing. In summary, the available evidence is currently insufficient to determine the role of this variant in disease. Therefore, it has been classified as a Variant of Uncertain Significance.

Literature cited by the submitters: PubMed 16317055.

NM_003000.3(SDHB):c.623G>T (p.Gly208Val)

Gene: SDHB (succinate dehydrogenase complex iron sulfur subunit B; minus strand). Cytogenetic location: 1p36.13.
Variant type: single nucleotide variant.
Coding change: c.623G>T on transcript NM_003000.3 (MANE Select); coding-DNA position 623, G replaced by T.
Protein change: p.Gly208Val; replaces glycine 208 with valine.
Molecular consequence: missense variant.
Genome position (GRCh38, 1-based): chr1:17,023,992, C>A on the plus strand (G>T on the coding strand, the complement: SDHB is on the minus strand). VCF-style: chr1-17023992-C-A. GRCh37 (hg19) VCF-style: chr1-17350487-C-A.
Other names: c.569G>T, p.Gly190Val (NM_001407361.1); short protein forms G190V, G208V.
Identifiers: ClinVar variation 3756212 (VCV003756212.2).
Genomic context (GRCh38, chr1:17,023,992, plus strand): 5'-TGAGTTTCAATTTCTCTTAAAGCAATTAAGGAGCACCTCACCTGCATAAGAACTGCAGGC[C>A]CCAGATATTTGTCTCCGTTCCACCAGTAGCTGGGGCAGCTGGTGCTACAGCAGGCACAGA-3'
Protein context (NP_002991.2, residues 198-218): SYWWNGDKYL[Gly208Val]PAVLMQAYRW